The following is an entry in ClinVar:

ClinVar aggregate classification (germline): Uncertain significance (1 of 4 stars; one submission).

Submission:

GeneDx
Classification: Uncertain significance. Last evaluated: 2025-06-11. Review status: criteria provided, single submitter. Criteria: GeneDx Variant Classification Process June 2021. Collection method: clinical testing. Allele origin: germline. Affected: yes.
Comment: Not observed at significant frequency in large population cohorts (gnomAD); In silico analysis supports that this missense variant has a deleterious effect on protein structure/function; Has not been previously published as pathogenic or benign to our knowledge

NM_000238.4(KCNH2):c.2210T>A (p.Leu737Gln)

Gene: KCNH2 (potassium voltage-gated channel subfamily H member 2; minus strand). Cytogenetic location: 7q36.1.
Variant type: single nucleotide variant.
Coding change: c.2210T>A on transcript NM_000238.4 (MANE Select); coding-DNA position 2210, T replaced by A.
Protein change: p.Leu737Gln; replaces leucine 737 with glutamine.
Molecular consequence: missense variant. On other transcripts: non-coding transcript variant (2).
Genome position (GRCh38, 1-based): chr7:150,950,356, A>T on the plus strand (T>A on the coding strand, the complement: KCNH2 is on the minus strand). VCF-style: chr7-150950356-A-T. GRCh37 (hg19) VCF-style: chr7-150647444-A-T.
Other names: c.1190T>A, p.Leu397Gln (NM_001204798.2, NM_172057.3); c.1922T>A, p.Leu641Gln (NM_001406753.1, NM_001406756.1); c.2033T>A, p.Leu678Gln (NM_001406755.1); c.1910T>A, p.Leu637Gln (NM_001406757.1); c.2210T>A, p.Leu737Gln (NM_172056.3); short protein forms L397Q, L637Q, L641Q, L678Q, L737Q.
Identifiers: ClinVar variation 4537976 (VCV004537976.1).